The following is an entry in ClinVar:

NM_147127.5(EVC2):c.1554AGA[2] (p.Glu520del)

Gene: EVC2 (EvC ciliary complex subunit 2; minus strand). Cytogenetic location: 4p16.2.
Variant type: Microsatellite.
Coding change: c.1554AGA[2] on transcript NM_147127.5 (MANE Select); two copies in a row of the 3-base unit AGA starting at c.1554; the reference has three copies in a row; one copy, 3 bases deleted.
Protein change: p.Glu520del; deletes glutamic acid 520.
Molecular consequence: inframe deletion.
Genome position (GRCh38, 1-based): chr4:5,631,941-5,631,943, TCT deleted on the plus strand (AGA on the coding strand, the reverse complement: EVC2 is on the minus strand); deleting any 3 consecutive bases within chr4:5,631,941-5,631,950 gives the same sequence; the position shown is the placement nearest the transcript's 3' end. VCF-style (leftmost placement, unchanged base first): chr4-5631940-GTCT-G. GRCh37 (hg19) VCF-style: chr4-5633667-GTCT-G.
Other names: c.1314AGA[2], p.Glu440del (NM_001166136.2); short protein forms E520del, E440del.
Identifiers: ClinVar variation 551536 (VCV000551536.10), dbSNP rs772411576, ClinGen allele CA2835010.
Genomic context (GRCh38, chr4:5,631,940, plus strand): 5'-AAAGATACTGTGCAGTTCATTTCTCTGGAAAACAGCCAGCTGTCTGTGAGCTTTGGCAAA[GTCT>G]TCTTCTTGTTGCAAAGCGAGAGACTTCCTCAAGTGCTCCTGTTCCAGGCCATGGAGGGTC-3'

ClinVar aggregate classification (germline): Uncertain significance. Review status: criteria provided, single submitter (1 of 4 stars). 2 submissions from 2 submitters: Uncertain significance (1). 1 of the submissions does not count toward it. Last evaluated 2025-02-17.

Conditions:
Curry-Hall syndrome (WAD). Also called: WEYERS ACRODENTAL DYSOSTOSIS. Identifiers: Orphanet 952, MedGen C0457013, MONDO:0008673, OMIM 193530.
Ellis-van Creveld syndrome (EVC). Also called: EVC2-Related Ellis-van Creveld Syndrome; EVC-Related Ellis-van Creveld Syndrome; MESOECTODERMAL DYSPLASIA; Chondroectodermal dysplasia. Identifiers: Orphanet 289, MedGen C0013903, MONDO:0009162, OMIM 225500.

Submissions (2):

Labcorp Genetics (formerly Invitae), Labcorp
Classification: Uncertain significance for Curry-Hall syndrome; Ellis-van Creveld syndrome. Last evaluated: 2025-02-17. Review status: criteria provided, single submitter. Criteria: Invitae Variant Classification Sherloc (09022015). Collection method: clinical testing. Allele origin: germline.
Comment: This variant, c.1560_1562del, results in the deletion of 1 amino acid(s) of the EVC2 protein (p.Glu520del), but otherwise preserves the integrity of the reading frame. This variant is present in population databases (rs772411576, gnomAD 0.01%). This variant has been observed in individual(s) with severe syndromic retinalciliopathy (PMID: 25044745). Experimental studies and prediction algorithms are not available or were not evaluated, and the functional significance of this variant is currently unknown. In summary, the available evidence is currently insufficient to determine the role of this variant in disease. Therefore, it has been classified as a Variant of Uncertain Significance.

Counsyl
Classification: Uncertain significance for Ellis-van Creveld syndrome. Last evaluated: 2017-04-14. Review status: no assertion criteria provided. Collection method: clinical testing. Allele origin: unknown. Not counted in ClinVar's aggregate classification.

Literature cited by the submitters: PubMed 25044745 (cited by Labcorp Genetics (formerly Invitae), Labcorp).